The following is an entry in ClinVar:

NM_002633.3(PGM1):c.1462del (p.Gln488fs)

Gene: PGM1 (phosphoglucomutase 1; plus strand). Cytogenetic location: 1p31.3.
Variant type: Deletion.
Coding change: c.1462del on transcript NM_002633.3 (MANE Select); coding-DNA position 1462, one base deleted (C; older notation c.1462delC).
Protein change: p.Gln488fs; shifts the reading frame from glutamine 488.
Molecular consequence: frameshift variant.
Genome position (GRCh38, 1-based): chr1:63,651,850, C deleted. VCF-style (leftmost placement, unchanged base first): chr1-63651849-TC-T. GRCh37 (hg19) VCF-style: chr1-64117520-TC-T.
Other names: c.1516del, p.Gln506fs (NM_001172818.1); c.871del, p.Gln291fs (NM_001172819.2); short protein forms Q291fs, Q488fs, Q506fs.
Identifiers: ClinVar variation 5019977 (VCV005019977.2).
Genomic context (GRCh38, chr1:63,651,849, plus strand): 5'-TGTGGAGAAGGCCGATAACTTTGAATACAGCGACCCAGTGGATGGAAGCATTTCAAGAAA[TC>T]AGGTAGAAACAGACCGGTGTGTAAGTGAGAGAGAGACCTCAGAGCTTCATCTCTGACATC-3'

ClinVar aggregate classification (germline): Pathogenic (1 of 4 stars; one submission).

Conditions:
PGM1-congenital disorder of glycosylation. Also called: PGM1 DEFICIENCY; GLYCOGEN STORAGE DISEASE XIV; GSD XIV; PHOSPHOGLUCOMUTASE 1 DEFICIENCY; CDG It; Congenital disorder of glycosylation type 1t. Identifiers: Orphanet 319646, MedGen C2752015, MONDO:0013968, OMIM 614921.

Submission:

Juno Genomics, Hangzhou Juno Genomics, Inc
Classification: Pathogenic for PGM1-congenital disorder of glycosylation. Review status: criteria provided, single submitter. Criteria: ACMG Guidelines, 2015. Collection method: clinical testing. Allele origin: germline.
Comment: Absent from controls (or at extremely low frequency if recessive) in Genome Aggregation Database.;Null variant in a gene where loss of function (LOF) is a known mechanism of disease.;Patient's phenotype or family history is highly specific for a disease with a single genetic etiology.